The following is an entry in ClinVar:

NM_001379200.1(TBX1):c.1178C>A (p.Pro393Gln)

Gene: TBX1 (T-box transcription factor 1; plus strand). Cytogenetic location: 22q11.21.
Variant type: single nucleotide variant.
Coding change: c.1178C>A on transcript NM_001379200.1 (MANE Select); coding-DNA position 1178, C replaced by A.
Protein change: p.Pro393Gln; replaces proline 393 with glutamine.
Molecular consequence: missense variant. On other transcripts: intron variant (2).
Genome position (GRCh38, 1-based): chr22:19,766,530, C>A. VCF-style: chr22-19766530-C-A. GRCh37 (hg19) VCF-style: chr22-19754053-C-A.
Other names: c.1151C>A, p.Pro384Gln (NM_080647.1); c.1009+528C>A (NM_005992.1, NM_080646.2); short protein forms P384Q, P393Q.
Identifiers: ClinVar variation 800274 (VCV000800274.13), dbSNP rs918788695, ClinGen allele CA322058209.

ClinVar aggregate classification (germline): Conflicting classifications of pathogenicity. Review status: criteria provided, conflicting classifications (1 of 4 stars). 4 submissions from 4 submitters: Uncertain significance (1); Likely benign (3). Last evaluated 2025-10-23.

Conditions:
DiGeorge syndrome. Also called: THIRD AND FOURTH PHARYNGEAL POUCH SYNDROME; Catch22. Identifiers: Orphanet 567, MedGen C0012236, MONDO:0008564, OMIM 188400.
Conotruncal heart malformations (CTHM). Also called: Conotruncal heart malformations, variable. Identifiers: Orphanet 2445, Orphanet 3384, Orphanet 3426, MedGen C1857586, MONDO:0016581, OMIM 217095.
Tetralogy of Fallot (TOF). Identifiers: Orphanet 3303, MedGen C0039685, MONDO:0008542, OMIM 187500, HP:0001636.
Velocardiofacial syndrome (VCFS). Also called: VCF SYNDROME; SHPRINTZEN VCF SYNDROME; Shprintzen syndrome. Identifiers: Orphanet 567, MedGen C0220704, MONDO:0008644, OMIM 192430. Disease mechanism: loss of function.

Allele frequency attached by ClinVar (database versions not stated): gnomAD exomes 0.00004; gnomAD 0.00013 and 0.00014; TOPMed 0.00014.
gnomAD v4.1: 144 of 1,341,562 alleles (0.011%); highest among the groups gnomAD compares: Non-Finnish European, 0.014%; no homozygotes.

Submissions (4):

Labcorp Genetics (formerly Invitae), Labcorp
Classification: Likely benign for DiGeorge syndrome. Last evaluated: 2025-10-23. Review status: criteria provided, single submitter. Criteria: Invitae Variant Classification Sherloc (09022015). Collection method: clinical testing. Allele origin: germline.

Blueprint Genetics
Classification: Likely benign. Last evaluated: 2024-10-29. Review status: criteria provided, single submitter. Criteria: ACMG Guidelines, 2015. Collection method: clinical testing. Allele origin: germline.

GeneDx
Classification: Uncertain significance. Last evaluated: 2023-09-07. Review status: criteria provided, single submitter. Criteria: GeneDx Variant Classification Process June 2021. Collection method: clinical testing. Allele origin: germline. Affected: yes.
Comment: Reported in a patient with congenital heart defects in the published literature (Conti et al., 2003); In silico analysis supports that this missense variant does not alter protein structure/function; This variant is associated with the following publications: (PMID: 12700609)

Fulgent Genetics
Classification: Likely benign for Tetralogy of Fallot; DiGeorge syndrome; Velocardiofacial syndrome; Conotruncal heart malformations. Last evaluated: 2021-07-15. Review status: criteria provided, single submitter. Criteria: ACMG Guidelines, 2015. Collection method: clinical testing. Allele origin: unknown.